The following is an entry in ClinVar:

NM_004415.4(DSP):c.163G>T (p.Gly55Cys)

Genes: DSP (desmoplakin; plus strand), DSP-AS1 (DSP antisense RNA 1; minus strand). Cytogenetic location: 6p24.3.
Variant type: single nucleotide variant.
Coding change: c.163G>T on transcript NM_004415.4 (MANE Select); coding-DNA position 163, G replaced by T.
Protein change: p.Gly55Cys; replaces glycine 55 with cysteine.
Molecular consequence: missense variant.
Genome position (GRCh38, 1-based): chr6:7,542,078, G>T. VCF-style: chr6-7542078-G-T. GRCh37 (hg19) VCF-style: chr6-7542311-G-T.
Other names: c.163G>T, p.Gly55Cys (NM_001008844.3, NM_001319034.2); c.163G>T (LRG_423t1); short protein forms G55C.
Identifiers: ClinVar variation 496239 (VCV000496239.10), dbSNP rs1214660308, ClinGen allele CA362676038.

ClinVar aggregate classification (germline): Conflicting classifications of pathogenicity. Review status: criteria provided, conflicting classifications (1 of 4 stars). 3 submissions from 3 submitters: Uncertain significance (2); Likely benign (1). Last evaluated 2024-08-04.

Conditions:
Cardiomyopathy (CMYO). Also called: Cardiomyopathies. Identifiers: Orphanet 167848, MedGen C0878544, MONDO:0004994, HP:0001638. Inheritance: Various modes of inheritance.
Arrhythmogenic right ventricular dysplasia 8 (ARVD8). Also called: ARRHYTHMOGENIC RIGHT VENTRICULAR CARDIOMYOPATHY 8; Arrhythmogenic Right Ventricular Dysplasia/Cardiomyopathy 8; ARRHYTHMOGENIC RIGHT VENTRICULAR DYSPLASIA, FAMILIAL, 8. Identifiers: MedGen C1843896, MONDO:0011831, OMIM 607450.
Arrhythmogenic cardiomyopathy with wooly hair and keratoderma. Also called: Arrhythmogenic cardiomyopathy with woolly hair and keratoderma; PALMOPLANTAR KERATODERMA WITH LEFT VENTRICULAR CARDIOMYOPATHY AND WOOLLY HAIR; Carvajal syndrome; Dilated cardiomyopathy with woolly hair and keratoderma. Identifiers: Orphanet 65282, MedGen C1854063, MONDO:0011581, OMIM 605676.

Allele frequency attached by ClinVar (database versions not stated): gnomAD exomes 0.00001; TOPMed 0.00002.
gnomAD v4.1: 3 of 1,561,110 alleles (0.00019%); highest among the groups gnomAD compares: East Asian, 0.0072%; no homozygotes.

Submissions (3):

Labcorp Genetics (formerly Invitae), Labcorp
Classification: Likely benign for Arrhythmogenic cardiomyopathy with wooly hair and keratoderma; Arrhythmogenic right ventricular dysplasia 8. Last evaluated: 2024-08-04. Review status: criteria provided, single submitter. Criteria: Invitae Variant Classification Sherloc (09022015). Collection method: clinical testing. Allele origin: germline.

Color Diagnostics, LLC DBA Color Health
Classification: Uncertain significance for Cardiomyopathy. Last evaluated: 2024-03-06. Review status: criteria provided, single submitter. Criteria: ACMG Guidelines, 2015. Collection method: clinical testing. Allele origin: germline.
Comment: This missense variant replaces glycine with cysteine at codon 55 of the DSP protein. Computational prediction suggests that this variant may not impact protein structure and function (internally defined REVEL score threshold <= 0.5, PMID: 27666373). Splice site prediction tools suggest that this variant may not impact RNA splicing. To our knowledge, functional studies have not been performed for this variant. This variant has not been reported in individuals affected with cardiovascular disorders in the literature. This variant has been identified in 1/158840 chromosomes in the general population by the Genome Aggregation Database (gnomAD). The available evidence is insufficient to determine the role of this variant in disease conclusively. Therefore, this variant is classified as a Variant of Uncertain Significance.

Women's Health and Genetics/Laboratory Corporation of America, LabCorp
Classification: Uncertain significance. Last evaluated: 2016-11-14. Review status: criteria provided, single submitter. Criteria: LabCorp Variant Classification Summary - May 2015. Collection method: clinical testing. Allele origin: germline.
Comment: Variant summary: The DSP c.163G>T (p.Gly55Cys) variant involves the alteration of a conserved nucleotide. 3/4 in silico tools predict a damaging outcome for this variant (SNPs&GO not captured due to low reliability index). This variant is absent in 22504 control chromosomes. The variant of interest has not, to our knowledge, been reported in affected individuals via publications and/or reputable databases/clinical diagnostic laboratories; nor evaluated for functional impact by in vivo/vitro studies. Because of the absence of clinical information and the lack of functional studies, the variant is classified as a variant of uncertain significance (VUS)-possibly benign until additional information becomes available.